The following is an entry in ClinVar:

ClinVar aggregate classification (germline): Uncertain significance (1 of 4 stars; one submission).

gnomAD v4.1: 4 of 1,613,764 alleles (0.00025%); highest among the groups gnomAD compares: Admixed American, 0.0067%; no homozygotes.

Submission:

Labcorp Genetics (formerly Invitae), Labcorp
Classification: Uncertain significance. Last evaluated: 2025-12-17. Review status: criteria provided, single submitter. Criteria: Invitae Variant Classification Sherloc (09022015). Collection method: clinical testing. Allele origin: germline.
Comment: This sequence change replaces isoleucine, which is neutral and non-polar, with valine, which is neutral and non-polar, at codon 762 of the EMC1 protein (p.Ile762Val). This variant is not present in population databases (gnomAD no frequency). This variant has not been reported in the literature in individuals affected with EMC1-related conditions. ClinVar contains an entry for this variant (Variation ID: 2808451). Invitae Evidence Modeling of protein sequence and biophysical properties (such as structural, functional, and spatial information, amino acid conservation, physicochemical variation, residue mobility, and thermodynamic stability) indicates that this missense variant is not expected to disrupt EMC1 protein function with a negative predictive value of 80%. In summary, the available evidence is currently insufficient to determine the role of this variant in disease. Therefore, it has been classified as a Variant of Uncertain Significance.

NM_015047.3(EMC1):c.2284A>G (p.Ile762Val)

Genes: EMC1 (ER membrane protein complex subunit 1; minus strand), EMC1-AS1 (EMC1 antisense RNA 1; plus strand). Cytogenetic location: 1p36.13.
Variant type: single nucleotide variant.
Coding change: c.2284A>G on transcript NM_015047.3 (MANE Select); coding-DNA position 2284, A replaced by G.
Protein change: p.Ile762Val; replaces isoleucine 762 with valine.
Molecular consequence: missense variant.
Genome position (GRCh38, 1-based): chr1:19,223,488, T>C on the plus strand (A>G on the coding strand, the complement: EMC1 is on the minus strand). VCF-style: chr1-19223488-T-C. GRCh37 (hg19) VCF-style: chr1-19549982-T-C.
Other names: c.2281A>G, p.Ile761Val (NM_001271427.2, NM_001271428.2); c.2218A>G, p.Ile740Val (NM_001271429.2); c.2293A>G, p.Ile765Val (NM_001375820.1); c.2290A>G, p.Ile764Val (NM_001375821.1); short protein forms I761V, I765V, I764V, I740V, I762V.
Identifiers: ClinVar variation 2808451 (VCV002808451.3), dbSNP rs35788281, ClinGen allele CA18810967.